The following is an entry in ClinVar:

NM_024408.4(NOTCH2):c.7342G>T (p.Ala2448Ser)

Gene: NOTCH2 (notch receptor 2; minus strand). Cytogenetic location: 1p12.
Variant type: single nucleotide variant.
Coding change: c.7342G>T on transcript NM_024408.4 (MANE Select); coding-DNA position 7342, G replaced by T.
Protein change: p.Ala2448Ser; replaces alanine 2448 with serine.
Molecular consequence: missense variant.
Genome position (GRCh38, 1-based): chr1:119,915,380, C>A on the plus strand (G>T on the coding strand, the complement: NOTCH2 is on the minus strand). VCF-style: chr1-119915380-C-A. GRCh37 (hg19) VCF-style: chr1-120458003-C-A.
Other names: c.7342G>T (NM_024408.3); short protein forms A2448S.
Identifiers: ClinVar variation 595622 (VCV000595622.14), dbSNP rs764210725, ClinGen allele CA1039282.
Genomic context (GRCh38, chr1:119,915,380, plus strand): 5'-GCATGTTGTTGTGTGGTGGCTCAGACATGTGTGTCCCAGGTCCCCGCTGACCTCCTCCAG[C>A]ACCCCCAGGGGTAGGGCTGGTGGTCACATCTGACCAGTCAGAAGCAGAGTGGGGTGATGA-3'
Protein context (NP_077719.2, residues 2438-2458): DVTTSPTPGG[Ala2448Ser]GGGQRGPGTH

ClinVar aggregate classification (germline): Conflicting classifications of pathogenicity. Review status: criteria provided, conflicting classifications (1 of 4 stars). 6 submissions from 6 submitters: Uncertain significance (3); Likely benign (3). Last evaluated 2025-11-18.

Conditions:
Alagille syndrome due to a NOTCH2 point mutation. Also called: Alagille syndrome 2. Identifiers: Orphanet 261629, Orphanet 52, MedGen C1857761, MONDO:0012439, OMIM 610205.
Hajdu-Cheney syndrome (HJCYS). Also called: SERPENTINE FIBULA-POLYCYSTIC KIDNEY SYNDROME; ACROOSTEOLYSIS WITH OSTEOPOROSIS AND CHANGES IN SKULL AND MANDIBLE; Acroosteolysis dominant type. Identifiers: Orphanet 955, MedGen C0917715, MONDO:0007057, OMIM 102500.
Inborn genetic diseases. Identifiers: MedGen C0950123, MeSH D030342.
NOTCH2-related disorder. Also called: NOTCH2-related condition.

Allele frequency attached by ClinVar (database versions not stated): gnomAD exomes below 0.00001 and 0.00004; TOPMed 0.00001; gnomAD 0.00002 and 0.00003; ExAC 0.00005.
gnomAD v4.1: 12 of 1,614,072 alleles (0.00074%); highest among the groups gnomAD compares: East Asian, 0.02%; no homozygotes.

Submissions (6):

Labcorp Genetics (formerly Invitae), Labcorp
Classification: Likely benign for Hajdu-Cheney syndrome. Last evaluated: 2025-11-18. Review status: criteria provided, single submitter. Criteria: Invitae Variant Classification Sherloc (09022015). Collection method: clinical testing. Allele origin: germline.

PreventionGenetics, part of Exact Sciences
Classification: Likely benign for NOTCH2-related condition. Last evaluated: 2025-08-04. Review status: criteria provided, single submitter. Criteria: ACMG Guidelines, 2015. Collection method: clinical testing. Allele origin: germline.
Comment: This variant is classified as likely benign based on ACMG/AMP sequence variant interpretation guidelines (Richards et al. 2015 PMID: 25741868, with internal and published modifications).

Fulgent Genetics
Classification: Uncertain significance for Hajdu-Cheney syndrome; Alagille syndrome due to a NOTCH2 point mutation. Last evaluated: 2024-04-17. Review status: criteria provided, single submitter. Criteria: ACMG Guidelines, 2015. Collection method: clinical testing. Allele origin: germline.

Blueprint Genetics
Classification: Likely benign. Last evaluated: 2023-12-01. Review status: criteria provided, single submitter. Criteria: ACMG Guidelines, 2015. Collection method: clinical testing. Allele origin: germline.

Ambry Genetics
Classification: Uncertain significance for Inborn genetic diseases. Last evaluated: 2023-09-13. Review status: criteria provided, single submitter. Criteria: Ambry Variant Classification Scheme 2023. Collection method: clinical testing. Allele origin: germline.

Eurofins Ntd Llc (ga)
Classification: Uncertain significance. Last evaluated: 2017-12-28. Review status: criteria provided, single submitter. Criteria: EGL Classification Definitions 2015. Collection method: clinical testing. Allele origin: germline. Observed: 1 variant allele, 1 heterozygote.